The following is an entry in ClinVar:

NM_005732.4(RAD50):c.784C>T (p.Leu262Phe)

Gene: RAD50 (RAD50 double strand break repair protein; plus strand). Cytogenetic location: 5q31.1.
Variant type: single nucleotide variant.
Coding change: c.784C>T on transcript NM_005732.4 (MANE Select); coding-DNA position 784, C replaced by T.
Protein change: p.Leu262Phe; replaces leucine 262 with phenylalanine.
Molecular consequence: missense variant.
Genome position (GRCh38, 1-based): chr5:132,587,589, C>T. VCF-style: chr5-132587589-C-T. GRCh37 (hg19) VCF-style: chr5-131923281-C-T.
Other names: short protein forms L262F.
Identifiers: ClinVar variation 2451426 (VCV002451426.2), dbSNP rs2479631625, ClinGen allele CA360940086.

ClinVar aggregate classification (germline): Uncertain significance (1 of 4 stars; one submission).

Conditions:
Hereditary cancer-predisposing syndrome. Also called: Neoplastic Syndromes, Hereditary; Tumor predisposition; Hereditary neoplastic syndrome; Hereditary Cancer Syndrome. Identifiers: Orphanet 140162, MedGen C0027672, MeSH D009386, MONDO:0015356.

Submission:

Ambry Genetics
Classification: Uncertain significance for Hereditary cancer-predisposing syndrome. Last evaluated: 2023-01-29. Review status: criteria provided, single submitter. Criteria: Ambry Variant Classification Scheme 2023. Collection method: clinical testing. Allele origin: germline.
Comment: The p.L262F variant (also known as c.784C>T), located in coding exon 6 of the RAD50 gene, results from a C to T substitution at nucleotide position 784. The leucine at codon 262 is replaced by phenylalanine, an amino acid with highly similar properties. This amino acid position is conserved. In addition, this alteration is predicted to be tolerated by in silico analysis. Since supporting evidence is limited at this time, the clinical significance of this alteration remains unclear.